The following is an entry in ClinVar:

ClinVar aggregate classification (germline): Uncertain significance. Review status: criteria provided, multiple submitters, no conflicts (2 of 4 stars). 4 submissions from 4 submitters: Uncertain significance (4). Last evaluated 2025-10-07.

Conditions:
Intellectual disability, autosomal dominant 16 (CSS4). Also called: COFFIN-SIRIS SYNDROME 4. Identifiers: Orphanet 1465, MedGen C3553249, MONDO:0013821, OMIM 614609.
Hereditary cancer-predisposing syndrome. Also called: Hereditary Cancer Syndrome; Neoplastic Syndromes, Hereditary; Tumor predisposition; Hereditary neoplastic syndrome. Identifiers: Orphanet 140162, MedGen C0027672, MeSH D009386, MONDO:0015356.
Rhabdoid tumor predisposition syndrome 2 (RTPS2). Identifiers: Orphanet 231108, Orphanet 69077, MedGen C2750074, MONDO:0013224, OMIM 613325.

Submissions (4):

Ambry Genetics
Classification: Uncertain significance for Hereditary cancer-predisposing syndrome. Last evaluated: 2025-10-07. Review status: criteria provided, single submitter. Criteria: Ambry Variant Classification Scheme 2023. Collection method: clinical testing. Allele origin: germline.

Labcorp Genetics (formerly Invitae), Labcorp
Classification: Uncertain significance for Rhabdoid tumor predisposition syndrome 2. Last evaluated: 2023-08-03. Review status: criteria provided, single submitter. Criteria: Invitae Variant Classification Sherloc (09022015). Collection method: clinical testing. Allele origin: germline.
Comment: In summary, the available evidence is currently insufficient to determine the role of this variant in disease. Therefore, it has been classified as a Variant of Uncertain Significance. Advanced modeling of protein sequence and biophysical properties (such as structural, functional, and spatial information, amino acid conservation, physicochemical variation, residue mobility, and thermodynamic stability) has been performed at Invitae for this missense variant, however the output from this modeling did not meet the statistical confidence thresholds required to predict the impact of this variant on SMARCA4 protein function. ClinVar contains an entry for this variant (Variation ID: 1021789). This variant has not been reported in the literature in individuals affected with SMARCA4-related conditions. This variant is not present in population databases (gnomAD no frequency). This sequence change replaces glycine, which is neutral and non-polar, with arginine, which is basic and polar, at codon 1510 of the SMARCA4 protein (p.Gly1510Arg).

Genome-Nilou Lab
Classification: Uncertain significance for Intellectual disability, autosomal dominant 16. Last evaluated: 2021-07-15. Review status: criteria provided, single submitter. Criteria: ACMG Guidelines, 2015. Collection method: clinical testing. Allele origin: germline. Affected: no.

GeneDx
Classification: Uncertain significance. Last evaluated: 2021-04-08. Review status: criteria provided, single submitter. Criteria: GeneDx Variant Classification Process June 2021. Collection method: clinical testing. Allele origin: germline. Affected: yes.
Comment: Not observed in large population cohorts (Lek et al., 2016); In silico analysis supports that this missense variant has a deleterious effect on protein structure/function; Has not been previously published as pathogenic or benign to our knowledge

NM_003072.5(SMARCA4):c.4432G>C (p.Gly1478Arg)

Gene: SMARCA4 (SWI/SNF related BAF chromatin remodeling complex subunit ATPase 4; plus strand). Cytogenetic location: 19p13.2.
Variant type: single nucleotide variant.
Coding change: c.4432G>C on transcript NM_003072.5 (MANE Select); coding-DNA position 4432, G replaced by C.
Protein change: p.Gly1478Arg; replaces glycine 1478 with arginine.
Molecular consequence: missense variant. On other transcripts: non-coding transcript variant (1).
Genome position (GRCh38, 1-based): chr19:11,058,262, G>C. VCF-style: chr19-11058262-G-C. GRCh37 (hg19) VCF-style: chr19-11168938-G-C.
Other names: c.4432G>C, p.Gly1478Arg (NM_001128844.3); c.4342G>C, p.Gly1448Arg (NM_001128845.2); c.4339G>C, p.Gly1447Arg (NM_001128846.2); c.4333G>C, p.Gly1445Arg (NM_001128847.4, NM_001374457.1); c.4330G>C, p.Gly1444Arg (NM_001128848.2); c.4528G>C, p.Gly1510Arg (NM_001128849.3); short protein forms G1444R, G1445R, G1447R, G1448R, G1478R, G1510R.
Identifiers: ClinVar variation 1021789 (VCV001021789.13), dbSNP rs2093999657, ClinGen allele CA404077209.